The following is an entry in ClinVar:

NM_024753.5(TTC21B):c.1381A>G (p.Met461Val)

Gene: TTC21B (tetratricopeptide repeat domain 21B; minus strand). Cytogenetic location: 2q24.3.
Variant type: single nucleotide variant.
Coding change: c.1381A>G on transcript NM_024753.5 (MANE Select); coding-DNA position 1381, A replaced by G.
Protein change: p.Met461Val; replaces methionine 461 with valine.
Molecular consequence: missense variant.
Genome position (GRCh38, 1-based): chr2:165,929,140, T>C on the plus strand (A>G on the coding strand, the complement: TTC21B is on the minus strand). VCF-style: chr2-165929140-T-C. GRCh37 (hg19) VCF-style: chr2-166785650-T-C.
Other names: short protein forms M461V.
Identifiers: ClinVar variation 2577715 (VCV002577715.1), dbSNP rs754378302, ClinGen allele CA1942164.

ClinVar aggregate classification (germline): Uncertain significance (1 of 4 stars; one submission).

Allele frequency attached by ClinVar (database versions not stated): gnomAD exomes 0.00001; TOPMed 0.00001; ExAC 0.00002.
gnomAD v4.1: 10 of 1,612,594 alleles (0.00062%); highest among the groups gnomAD compares: Non-Finnish European, 0.00076%; no homozygotes.

Submission:

GeneDx
Classification: Uncertain significance. Last evaluated: 2023-02-23. Review status: criteria provided, single submitter. Criteria: GeneDx Variant Classification Process June 2021. Collection method: clinical testing. Allele origin: germline. Affected: yes.
Comment: Not observed at significant frequency in large population cohorts (gnomAD); In silico analysis supports that this missense variant does not alter protein structure/function; Has not been previously published as pathogenic or benign to our knowledge